The following is an entry in ClinVar:

ClinVar aggregate classification (germline): Uncertain significance (1 of 4 stars; one submission).

Submission:

Labcorp Genetics (formerly Invitae), Labcorp
Classification: Uncertain significance. Last evaluated: 2023-04-04. Review status: criteria provided, single submitter. Criteria: Invitae Variant Classification Sherloc (09022015). Collection method: clinical testing. Allele origin: germline.
Comment: In summary, the available evidence is currently insufficient to determine the role of this variant in disease. Therefore, it has been classified as a Variant of Uncertain Significance. Advanced modeling of protein sequence and biophysical properties (such as structural, functional, and spatial information, amino acid conservation, physicochemical variation, residue mobility, and thermodynamic stability) performed at Invitae indicates that this missense variant is not expected to disrupt LPL protein function. This variant has not been reported in the literature in individuals affected with LPL-related conditions. This variant is not present in population databases (gnomAD no frequency). This sequence change replaces leucine, which is neutral and non-polar, with arginine, which is basic and polar, at codon 301 of the LPL protein (p.Leu301Arg).

NM_000237.3(LPL):c.902T>G (p.Leu301Arg)

Gene: LPL (lipoprotein lipase; plus strand). Cytogenetic location: 8p21.3.
Variant type: single nucleotide variant.
Coding change: c.902T>G on transcript NM_000237.3 (MANE Select); coding-DNA position 902, T replaced by G.
Protein change: p.Leu301Arg; replaces leucine 301 with arginine.
Molecular consequence: missense variant.
Genome position (GRCh38, 1-based): chr8:19,955,967, T>G. VCF-style: chr8-19955967-T-G. GRCh37 (hg19) VCF-style: chr8-19813478-T-G.
Other names: short protein forms L301R.
Identifiers: ClinVar variation 2779585 (VCV002779585.3), dbSNP rs2540107202, ClinGen allele CA370469208.